The following is an entry in ClinVar:

ClinVar aggregate classification (germline): Likely benign. Review status: criteria provided, multiple submitters, no conflicts (2 of 4 stars). 2 submissions from 2 submitters: Likely benign (2). Last evaluated 2024-10-01.

Conditions:
CHARGE syndrome (CHARGE). Also called: Hittner Hirsch Kreh syndrome; CHARGE ASSOCIATION--COLOBOMA, HEART ANOMALY, CHOANAL ATRESIA, RETARDATION, GENITAL AND EAR ANOMALIES; Coloboma, heart anomaly, choanal atresia, retardation, genital and ear anomalies; CHARGE association; Hall-Hittner syndrome. Identifiers: Orphanet 138, MedGen C0265354, MONDO:0008965.

Allele frequency attached by ClinVar (database versions not stated): gnomAD exomes below 0.00001; TOPMed below 0.00001.
gnomAD v4.1: 4 of 1,573,632 alleles (0.00025%); highest among the groups gnomAD compares: South Asian, 0.0023%; no homozygotes.

Submissions (2):

CeGaT Center for Human Genetics Tuebingen
Classification: Likely benign. Last evaluated: 2024-10-01. Review status: criteria provided, single submitter. Criteria: CeGaT Center For Human Genetics Tuebingen Variant Classification Criteria Version 2. Collection method: clinical testing. Allele origin: germline. Affected: yes. Observed: 1 variant allele.
Comment: CHD7: BP4, BP7

Labcorp Genetics (formerly Invitae), Labcorp
Classification: Likely benign for CHARGE syndrome. Last evaluated: 2022-11-23. Review status: criteria provided, single submitter. Criteria: Invitae Variant Classification Sherloc (09022015). Collection method: clinical testing. Allele origin: germline.

NM_017780.4(CHD7):c.2391A>G (p.Ala797=)

Gene: CHD7 (chromodomain helicase DNA binding protein 7; plus strand). Cytogenetic location: 8q12.2.
Variant type: single nucleotide variant.
Coding change: c.2391A>G on transcript NM_017780.4 (MANE Select); coding-DNA position 2391, A replaced by G.
Protein change: p.Ala797=; no amino-acid change (alanine 797 retained).
Molecular consequence: synonymous variant. On other transcripts: intron variant (1).
Genome position (GRCh38, 1-based): chr8:60,801,542, A>G. VCF-style: chr8-60801542-A-G. GRCh37 (hg19) VCF-style: chr8-61714101-A-G.
Other names: c.1716+20492A>G (NM_001316690.1).
Identifiers: ClinVar variation 2155918 (VCV002155918.18), dbSNP rs1812312012, ClinGen allele CA460844036.